The following is an entry in ClinVar:

ClinVar aggregate classification (germline): Uncertain significance (1 of 4 stars; one submission).

Submission:

Mayo Clinic Laboratories, Mayo Clinic
Classification: Uncertain significance. Last evaluated: 2023-10-25. Review status: criteria provided, single submitter. Criteria: ACMG Guidelines, 2015. Collection method: clinical testing. Allele origin: germline. Observed: 1 variant allele.
Comment: PM2_moderate

Literature cited by the submitters: PubMed 21211618; PubMed 24430186; PubMed 28100250; PubMed 37065357.

NM_014915.3(ANKRD26):c.4227dup (p.Thr1410fs)

Gene: ANKRD26 (ankyrin repeat domain containing 26; minus strand). Cytogenetic location: 10p12.1.
Variant type: Duplication.
Coding change: c.4227dup on transcript NM_014915.3 (MANE Select); coding-DNA position 4227, one base duplicated (T; older notation c.4227dupT).
Protein change: p.Thr1410fs; shifts the reading frame from threonine 1410.
Molecular consequence: frameshift variant.
Genome position (GRCh38, 1-based): chr10:27,017,781, A duplicated on the plus strand (T on the coding strand, the reverse complement: ANKRD26 is on the minus strand); the first of 2 consecutive A bases (chr10:27,017,781-27,017,782); duplicating either gives the same sequence. VCF-style (leftmost placement, unchanged base first): chr10-27017780-T-TA. GRCh37 (hg19) VCF-style: chr10-27306709-T-TA.
Other names: p.Thr1410Tyrfs*36; c.4224dup, p.Thr1409fs (NM_001256053.2); c.4227dup (NM_014915.2); short protein forms T1409fs, T1410fs.
Identifiers: ClinVar variation 3379953 (VCV003379953.1).